The following is an entry in ClinVar:

NM_004260.4(RECQL4):c.828G>C (p.Gln276His)

Gene: RECQL4 (RecQ like helicase 4; minus strand). Cytogenetic location: 8q24.3.
Variant type: single nucleotide variant.
Coding change: c.828G>C on transcript NM_004260.4 (MANE Select); coding-DNA position 828, G replaced by C.
Protein change: p.Gln276His; replaces glutamine 276 with histidine.
Molecular consequence: missense variant. On other transcripts: 5 prime UTR variant (17), non-coding transcript variant (3).
Genome position (GRCh38, 1-based): chr8:144,516,291, C>G on the plus strand (G>C on the coding strand, the complement: RECQL4 is on the minus strand). VCF-style: chr8-144516291-C-G. GRCh37 (hg19) VCF-style: chr8-145741675-C-G.
Other names: c.828G>C, p.Gln276His (NM_001413017.1, NM_001413018.1, NM_001413019.1 and 4 more transcripts); c.-244G>C (NM_001413021.1, NM_001413022.1, NM_001413023.1 and 7 more transcripts); c.699G>C, p.Gln233His (NM_001413025.1); c.-306G>C (NM_001413027.1, NM_001413030.1, NM_001413031.1 and 2 more transcripts); c.477G>C, p.Gln159His (NM_001413029.1); c.-148G>C (NM_001413034.1); c.-513G>C (NM_001413043.1); short protein forms Q233H, Q159H, Q276H.
Identifiers: ClinVar variation 2811907 (VCV002811907.3), dbSNP rs769153634, ClinGen allele CA4949169.

ClinVar aggregate classification (germline): Uncertain significance (1 of 4 stars; one submission).

Conditions:
Baller-Gerold syndrome (BGS). Also called: CRANIOSYNOSTOSIS WITH RADIAL DEFECTS. Identifiers: Orphanet 1225, MedGen C0265308, MONDO:0009039, OMIM 218600.

Allele frequency attached by ClinVar (database versions not stated): ExAC 0.00001.

Submission:

Labcorp Genetics (formerly Invitae), Labcorp
Classification: Uncertain significance for Baller-Gerold syndrome. Last evaluated: 2022-11-04. Review status: criteria provided, single submitter. Criteria: Invitae Variant Classification Sherloc (09022015). Collection method: clinical testing. Allele origin: germline.
Comment: In summary, the available evidence is currently insufficient to determine the role of this variant in disease. Therefore, it has been classified as a Variant of Uncertain Significance. Advanced modeling of protein sequence and biophysical properties (such as structural, functional, and spatial information, amino acid conservation, physicochemical variation, residue mobility, and thermodynamic stability) performed at Invitae indicates that this missense variant is not expected to disrupt RECQL4 protein function. This sequence change replaces glutamine, which is neutral and polar, with histidine, which is basic and polar, at codon 276 of the RECQL4 protein (p.Gln276His). This variant is present in population databases (rs769153634, gnomAD 0.0009%). This variant has not been reported in the literature in individuals affected with RECQL4-related conditions.